The following is an entry in ClinVar:

NM_006244.4(PPP2R5B):c.669G>A (p.Lys223=)

Genes: PPP2R5B (protein phosphatase 2 regulatory subunit B'beta; plus strand), LOC126861234 (BRD4-independent group 4 enhancer GRCh37_chr11:64694868-64696067; plus strand). Cytogenetic location: 11q13.1.
Variant type: single nucleotide variant.
Coding change: c.669G>A on transcript NM_006244.4 (MANE Select); coding-DNA position 669, G replaced by A.
Protein change: p.Lys223=; no amino-acid change (lysine 223 retained).
Molecular consequence: synonymous variant.
Genome position (GRCh38, 1-based): chr11:64,928,372, G>A. VCF-style: chr11-64928372-G-A. GRCh37 (hg19) VCF-style: chr11-64695844-G-A.
Identifiers: ClinVar variation 3770749 (VCV003770749.13).

ClinVar aggregate classification (germline): Likely benign (1 of 4 stars; one submission).

gnomAD v4.1: 3 of 1,614,236 alleles (0.00019%); highest among the groups gnomAD compares: Non-Finnish European, 0.00017%; no homozygotes.

Submission:

CeGaT Center for Human Genetics Tuebingen
Classification: Likely benign. Last evaluated: 2024-12-01. Review status: criteria provided, single submitter. Criteria: CeGaT Center For Human Genetics Tuebingen Variant Classification Criteria Version 2. Collection method: clinical testing. Allele origin: germline. Affected: yes. Observed: 1 variant allele.
Comment: PPP2R5B: BP4, BP7